The following is an entry in ClinVar:

NM_005529.7(HSPG2):c.2702G>A (p.Arg901His)

Gene: HSPG2 (heparan sulfate proteoglycan 2; minus strand). Cytogenetic location: 1p36.12.
Variant type: single nucleotide variant.
Coding change: c.2702G>A on transcript NM_005529.7 (MANE Select); coding-DNA position 2702, G replaced by A.
Protein change: p.Arg901His; replaces arginine 901 with histidine.
Molecular consequence: missense variant.
Genome position (GRCh38, 1-based): chr1:21,876,636, C>T on the plus strand (G>A on the coding strand, the complement: HSPG2 is on the minus strand). VCF-style: chr1-21876636-C-T. GRCh37 (hg19) VCF-style: chr1-22203129-C-T.
Other names: c.2702G>A (NM_005529.5); c.2705G>A, p.Arg902His (NM_001291860.2); short protein forms R902H, R901H.
Identifiers: ClinVar variation 1046404 (VCV001046404.9), dbSNP rs762266359, ClinGen allele CA672889.

ClinVar aggregate classification (germline): Uncertain significance. Review status: criteria provided, multiple submitters, no conflicts (2 of 4 stars). 3 submissions from 3 submitters: Uncertain significance (3). Last evaluated 2025-10-15.

Conditions:
Inborn genetic diseases. Identifiers: MedGen C0950123, MeSH D030342.

Allele frequency attached by ClinVar (database versions not stated): gnomAD exomes 0.00002 and 0.00001; TOPMed below 0.00001; ExAC 0.00001.
gnomAD v4.1: 9 of 1,614,196 alleles (0.00056%); highest among the groups gnomAD compares: Middle Eastern, 0.016%; no homozygotes.

Submissions (3):

Ambry Genetics
Classification: Uncertain significance for Inborn genetic diseases. Last evaluated: 2025-10-15. Review status: criteria provided, single submitter. Criteria: Ambry Variant Classification Scheme 2023. Collection method: clinical testing. Allele origin: germline.

ARUP Laboratories, Molecular Genetics and Genomics, ARUP Laboratories
Classification: Uncertain significance. Last evaluated: 2024-03-22. Review status: criteria provided, single submitter. Criteria: ARUP Molecular Germline Variant Investigation Process 2024. Collection method: clinical testing. Allele origin: germline.
Comment: The HSPG2 c.2702G>A; p.Arg901His variant (rs762266359), to our knowledge, is not reported in the medical literature but is reported in ClinVar (Variation ID: 1046404). This variant is found in the general population with an overall allele frequency of 0.002% (4/251,338 alleles) in the Genome Aggregation Database (v2.1.1). Computational analyses are uncertain whether this variant is neutral or deleterious (REVEL: 0.44). Due to limited information, the clinical significance of this variant is uncertain at this time.

Labcorp Genetics (formerly Invitae), Labcorp
Classification: Uncertain significance. Last evaluated: 2020-07-07. Review status: criteria provided, single submitter. Criteria: Invitae Variant Classification Sherloc (09022015). Collection method: clinical testing. Allele origin: germline.
Comment: In summary, the available evidence is currently insufficient to determine the role of this variant in disease. Therefore, it has been classified as a Variant of Uncertain Significance. Algorithms developed to predict the effect of missense changes on protein structure and function are either unavailable or do not agree on the potential impact of this missense change (SIFT: "Tolerated"; PolyPhen-2: "Probably Damaging"; Align-GVGD: "Class C0"). This variant has not been reported in the literature in individuals with HSPG2-related conditions. This variant is present in population databases (rs762266359, ExAC 0.006%). This sequence change replaces arginine with histidine at codon 901 of the HSPG2 protein (p.Arg901His). The arginine residue is weakly conserved and there is a small physicochemical difference between arginine and histidine.